The following is an entry in ClinVar:

NM_003366.4(UQCRC2):c.967-9A>G

Genes: PDZD9 (PDZ domain containing 9), UQCRC2 (ubiquinol-cytochrome c reductase core protein 2). Cytogenetic location: 16p12.2.
Variant type: single nucleotide variant.
Coding change: c.967-9A>G on transcript NM_003366.4 (MANE Select); 9 bases into the intron before coding-DNA position 967, A replaced by G.
Molecular consequence: intron variant.
Genome position (GRCh38, 1-based): chr16:21,973,887, A>G. VCF-style: chr16-21973887-A-G. GRCh37 (hg19) VCF-style: chr16-21985208-A-G.
Identifiers: ClinVar variation 389024 (VCV000389024.4), dbSNP rs368116933, ClinGen allele CA7953913.
Genomic context (GRCh38, chr16:21,973,887, plus strand): 5'-AAACTTAAAGAAATCGTGCCCTGTTTTACTTGGTAGAATATCATACAGTAAAGTCTCATT[A>G]TCTTTCAGGTTTCTGCATTTAATGCCAGTTACTCAGATTCTGGACTCTTTGGGATTTATA-3'

ClinVar aggregate classification (germline): Likely benign. Review status: criteria provided, multiple submitters, no conflicts (2 of 4 stars). 2 submissions from 2 submitters: Likely benign (2). Last evaluated 2025-10-03.

Allele frequency attached by ClinVar (database versions not stated): TOPMed 0.00005; gnomAD 0.00006 and 0.00009; ESP Exome Variant Server 0.00008; gnomAD exomes 0.00012 and 0.00018; ExAC 0.00024.
gnomAD v4.1: 190 of 1,611,948 alleles (0.012%); highest among the groups gnomAD compares: South Asian, 0.1%; 1 homozygote.

Submissions (2):

Labcorp Genetics (formerly Invitae), Labcorp
Classification: Likely benign. Last evaluated: 2025-10-03. Review status: criteria provided, single submitter. Criteria: Invitae Variant Classification Sherloc (09022015). Collection method: clinical testing. Allele origin: germline.

GeneDx
Classification: Likely benign. Last evaluated: 2016-09-13. Review status: criteria provided, single submitter. Criteria: GeneDx Variant Classification (06012015). Collection method: clinical testing. Allele origin: germline. Affected: yes.
Comment: This variant is considered likely benign or benign based on one or more of the following criteria: it is a conservative change, it occurs at a poorly conserved position in the protein, it is predicted to be benign by multiple in silico algorithms, and/or has population frequency not consistent with disease.